The following is an entry in ClinVar:

ClinVar aggregate classification (germline): Uncertain significance. Review status: criteria provided, multiple submitters, no conflicts (2 of 4 stars). 3 submissions from 3 submitters: Uncertain significance (3). Last evaluated 2026-04-15.

Conditions:
Inborn genetic diseases. Identifiers: MedGen C0950123, MeSH D030342.

Allele frequency attached by ClinVar (database versions not stated): gnomAD exomes below 0.00001; ExAC 0.00005; TOPMed 0.00009; gnomAD 0.00010.
gnomAD v4.1: 20 of 1,613,908 alleles (0.0012%); highest among the groups gnomAD compares: African/African-American, 0.027%; no homozygotes.

Submissions (3):

Women's Health and Genetics/Laboratory Corporation of America, LabCorp
Classification: Uncertain significance. Last evaluated: 2026-04-15. Review status: criteria provided, single submitter. Criteria: LabCorp Variant Classification Summary - May 2015. Collection method: clinical testing. Allele origin: germline.
Comment: Variant summary: GSDME c.349A>T (p.Thr117Ser) results in a conservative amino acid change in the encoded protein sequence. Algorithms developed to predict the effect of missense changes on protein structure and function all suggest that this variant is likely to be tolerated. The variant allele was found at a frequency of 4.2e-05 in 282824 control chromosomes. This frequency is not significantly higher than estimated for disease-causing variants in GSDME, allowing no conclusion about variant significance. To our knowledge, no occurrence of c.349A>T in individuals affected with GSDME-related conditions and no experimental evidence demonstrating its impact on protein function have been reported. ClinVar contains an entry for this variant (Variation ID: 2892639). Based on the evidence outlined above, the variant was classified as uncertain significance.

Ambry Genetics
Classification: Uncertain significance for Inborn genetic diseases. Last evaluated: 2025-11-20. Review status: criteria provided, single submitter. Criteria: Ambry Variant Classification Scheme 2023. Collection method: clinical testing. Allele origin: germline.

Labcorp Genetics (formerly Invitae), Labcorp
Classification: Uncertain significance. Last evaluated: 2023-12-11. Review status: criteria provided, single submitter. Criteria: Invitae Variant Classification Sherloc (09022015). Collection method: clinical testing. Allele origin: germline.
Comment: This sequence change replaces threonine, which is neutral and polar, with serine, which is neutral and polar, at codon 117 of the DFNA5 protein (p.Thr117Ser). This variant is present in population databases (rs753364605, gnomAD 0.05%). This variant has not been reported in the literature in individuals affected with DFNA5-related conditions. Advanced modeling of protein sequence and biophysical properties (such as structural, functional, and spatial information, amino acid conservation, physicochemical variation, residue mobility, and thermodynamic stability) performed at Invitae indicates that this missense variant is not expected to disrupt DFNA5 protein function with a negative predictive value of 80%. In summary, the available evidence is currently insufficient to determine the role of this variant in disease. Therefore, it has been classified as a Variant of Uncertain Significance.

NM_001127453.2(GSDME):c.349A>T (p.Thr117Ser)

Gene: GSDME (gasdermin E; minus strand). Cytogenetic location: 7p15.3.
Variant type: single nucleotide variant.
Coding change: c.349A>T on transcript NM_001127453.2 (MANE Select); coding-DNA position 349, A replaced by T.
Protein change: p.Thr117Ser; replaces threonine 117 with serine.
Molecular consequence: missense variant. On other transcripts: 5 prime UTR variant (1).
Genome position (GRCh38, 1-based): chr7:24,744,617, T>A on the plus strand (A>T on the coding strand, the complement: GSDME is on the minus strand). VCF-style: chr7-24744617-T-A. GRCh37 (hg19) VCF-style: chr7-24784236-T-A.
Other names: c.-144A>T (NM_001127454.2); c.349A>T, p.Thr117Ser (NM_004403.3); c.349A>T (NM_004403.2); short protein forms T117S.
Identifiers: ClinVar variation 2892639 (VCV002892639.6), dbSNP rs753364605, ClinGen allele CA4191764.